The following is an entry in ClinVar:

NM_138413.4(HOGA1):c.212-6T>C

Gene: HOGA1 (4-hydroxy-2-oxoglutarate aldolase 1; plus strand). Cytogenetic location: 10q24.2.
Variant type: single nucleotide variant.
Coding change: c.212-6T>C on transcript NM_138413.4 (MANE Select); 6 bases into the intron before coding-DNA position 212, T replaced by C.
Molecular consequence: intron variant.
Genome position (GRCh38, 1-based): chr10:97,598,769, T>C. VCF-style: chr10-97598769-T-C. GRCh37 (hg19) VCF-style: chr10-99358526-T-C.
Other names: c.212-3088T>C (NM_001134670.2).
Identifiers: ClinVar variation 301790 (VCV000301790.15), dbSNP rs372066473, ClinGen allele CA5634019.

ClinVar aggregate classification (germline): Conflicting classifications of pathogenicity. Review status: criteria provided, conflicting classifications (1 of 4 stars). 3 submissions from 3 submitters: Uncertain significance (1); Likely benign (1). 1 of the submissions does not count toward it. Last evaluated 2024-03-21.

Conditions:
HOGA1-related disorder. Also called: HOGA1-related condition.
Primary hyperoxaluria type 3. Also called: PH III. Identifiers: Orphanet 416, Orphanet 93600, MedGen C3150878, MONDO:0013327, OMIM 613616. Disease mechanism: loss of function.

Allele frequency attached by ClinVar (database versions not stated): gnomAD 0.00001; gnomAD exomes 0.00001; ExAC 0.00002; TOPMed 0.00003; ESP Exome Variant Server 0.00023.
gnomAD v4.1: 13 of 1,614,112 alleles (0.00081%); highest among the groups gnomAD compares: Middle Eastern, 0.033%; no homozygotes.

Submissions (3):

Labcorp Genetics (formerly Invitae), Labcorp
Classification: Likely benign. Last evaluated: 2024-03-21. Review status: criteria provided, single submitter. Criteria: Invitae Variant Classification Sherloc (09022015). Collection method: clinical testing. Allele origin: germline.

Illumina Laboratory Services, Illumina
Classification: Uncertain significance for Primary hyperoxaluria type 3. Last evaluated: 2018-01-12. Review status: criteria provided, single submitter. Criteria: ICSL Variant Classification Criteria 13 December 2019. Collection method: clinical testing. Allele origin: germline.

PreventionGenetics, part of Exact Sciences
Classification: Likely benign for HOGA1-related condition. Last evaluated: 2019-05-07. Review status: no assertion criteria provided. Collection method: clinical testing. Allele origin: germline. Not counted in ClinVar's aggregate classification.
Comment: This variant is classified as likely benign based on ACMG/AMP sequence variant interpretation guidelines (Richards et al. 2015 PMID: 25741868, with internal and published modifications).